The following is an entry in ClinVar:

NM_020686.6(ABAT):c.1326C>A (p.Phe442Leu)

Gene: ABAT (4-aminobutyrate aminotransferase; plus strand). Cytogenetic location: 16p13.2.
Variant type: single nucleotide variant.
Coding change: c.1326C>A on transcript NM_020686.6 (MANE Select); coding-DNA position 1326, C replaced by A.
Protein change: p.Phe442Leu; replaces phenylalanine 442 with leucine.
Molecular consequence: missense variant. On other transcripts: intron variant (1).
Genome position (GRCh38, 1-based): chr16:8,779,535, C>A. VCF-style: chr16-8779535-C-A. GRCh37 (hg19) VCF-style: chr16-8873392-C-A.
Other names: c.1326C>A, p.Phe442Leu (NM_000663.5, NM_001127448.2, NM_001386600.1 and 5 more transcripts); c.1287C>A, p.Phe429Leu (NM_001386605.1); c.1263C>A, p.Phe421Leu (NM_001386606.1, NM_001386607.1); c.1233C>A, p.Phe411Leu (NM_001386608.1); c.1191C>A, p.Phe397Leu (NM_001386610.1, NM_001386611.1); c.1422C>A, p.Phe474Leu (NM_001386615.1); c.1270-1774C>A (NM_001386609.1); c.1128C>A, p.Phe376Leu (NM_001386612.1, NM_001386613.1); and 2 more; short protein forms F429L, F442L, F411L, F421L, F474L, F376L, F360L, F397L.
Identifiers: ClinVar variation 1423138 (VCV001423138.8), dbSNP rs201566019, ClinGen allele CA7893520.
Genomic context (GRCh38, chr16:8,779,535, plus strand): 5'-ACAGGCCCGGTACCCCCAGTTCATCAGCAGGGTGAGAGGACGAGGCACCTTTTGCTCCTT[C>A]GATACTCCCGATGATTCCATACGGAATAAGCTCATTTTAATTGCCAGAAACAAAGGTAAG-3'
Protein context (NP_065737.2, residues 432-452): RVRGRGTFCS[Phe442Leu]DTPDDSIRNK

ClinVar aggregate classification (germline): Uncertain significance. Review status: criteria provided, multiple submitters, no conflicts (2 of 4 stars). 2 submissions from 2 submitters: Uncertain significance (2). Last evaluated 2025-09-01.

Conditions:
Gamma-aminobutyric acid transaminase deficiency (GABATD). Also called: GABA transaminase deficiency; Gamma aminobutyrate transaminase deficiency; 4 alpha aminobutyrate transaminase deficiency; GABA aminotransaminase deficiency. Identifiers: Orphanet 2066, MedGen C0342708, MONDO:0013166, OMIM 613163.
Inborn genetic diseases. Identifiers: MedGen C0950123, MeSH D030342.

gnomAD v4.1: 5 of 1,614,056 alleles (0.00031%); highest among the groups gnomAD compares: Admixed American, 0.0033%; no homozygotes.

Submissions (3):

Ambry Genetics
Classification: Uncertain significance for Inborn genetic diseases. Last evaluated: 2025-09-01. Review status: criteria provided, single submitter. Criteria: Ambry Variant Classification Scheme 2023. Collection method: clinical testing. Allele origin: germline.

Labcorp Genetics (formerly Invitae), Labcorp
Classification: Uncertain significance for Gamma-aminobutyric acid transaminase deficiency. Last evaluated: 2022-07-02. Review status: criteria provided, single submitter. Criteria: Invitae Variant Classification Sherloc (09022015). Collection method: clinical testing. Allele origin: germline.
Comment: In summary, the available evidence is currently insufficient to determine the role of this variant in disease. Therefore, it has been classified as a Variant of Uncertain Significance. Algorithms developed to predict the effect of sequence changes on RNA splicing suggest that this variant may create or strengthen a splice site. Algorithms developed to predict the effect of missense changes on protein structure and function (SIFT, PolyPhen-2, Align-GVGD) all suggest that this variant is likely to be tolerated. ClinVar contains an entry for this variant (Variation ID: 1423138). This variant has not been reported in the literature in individuals affected with ABAT-related conditions. This variant is present in population databases (rs201566019, gnomAD no frequency). This sequence change replaces phenylalanine, which is neutral and non-polar, with leucine, which is neutral and non-polar, at codon 442 of the ABAT protein (p.Phe442Leu).

Dr. Peter K. Rogan Lab, Western University
No classification provided (evidence only). Condition: Thyroid cancer, nonmedullary, 1. Review status: no classification provided. Collection method: in vitro. Allele origin: not applicable. Functional consequence: skipped exon, retained intron. Not counted in ClinVar's aggregate classification.